The following is an entry in ClinVar:

ClinVar aggregate classification (germline): Uncertain significance. Review status: criteria provided, multiple submitters, no conflicts (2 of 4 stars). 2 submissions from 2 submitters: Uncertain significance (2). Last evaluated 2025-09-13.

Conditions:
Cardiovascular phenotype. Identifiers: MedGen CN230736.

Allele frequency attached by ClinVar (database versions not stated): TOPMed below 0.00001; ExAC 0.00007.
gnomAD v4.1: 49 of 1,613,928 alleles (0.003%); highest among the groups gnomAD compares: Non-Finnish European, 0.0034%; no homozygotes.

Submissions (2):

Labcorp Genetics (formerly Invitae), Labcorp
Classification: Uncertain significance. Last evaluated: 2025-09-13. Review status: criteria provided, single submitter. Criteria: Invitae Variant Classification Sherloc (09022015). Collection method: clinical testing. Allele origin: germline.
Comment: This sequence change replaces valine, which is neutral and non-polar, with alanine, which is neutral and non-polar, at codon 266 of the TNNI3K protein (p.Val266Ala). This variant is present in population databases (rs200687973, gnomAD 0.007%). This variant has not been reported in the literature in individuals affected with TNNI3K-related conditions. ClinVar contains an entry for this variant (Variation ID: 1899593). Invitae Evidence Modeling of protein sequence and biophysical properties (such as structural, functional, and spatial information, amino acid conservation, physicochemical variation, residue mobility, and thermodynamic stability) indicates that this missense variant is not expected to disrupt TNNI3K protein function with a negative predictive value of 80%. In summary, the available evidence is currently insufficient to determine the role of this variant in disease. Therefore, it has been classified as a Variant of Uncertain Significance.

Molecular Diagnostic Laboratory for Inherited Cardiovascular Disease, Montreal Heart Institute
Classification: Uncertain significance for Cardiovascular phenotype. Last evaluated: 2025-04-09. Review status: criteria provided, single submitter. Criteria: ACMG Guidelines, 2015. Collection method: clinical testing. Allele origin: germline. Affected: yes.

NM_015978.3(TNNI3K):c.797T>C (p.Val266Ala)

Genes: FPGT-TNNI3K (FPGT-TNNI3K readthrough; plus strand), TNNI3K (TNNI3 interacting kinase; plus strand). Cytogenetic location: 1p31.1.
Variant type: single nucleotide variant.
Coding change: c.797T>C on transcript NM_015978.3 (MANE Select); coding-DNA position 797, T replaced by C.
Protein change: p.Val266Ala; replaces valine 266 with alanine.
Molecular consequence: missense variant.
Genome position (GRCh38, 1-based): chr1:74,342,956, T>C. VCF-style: chr1-74342956-T-C. GRCh37 (hg19) VCF-style: chr1-74808640-T-C.
Other names: c.1100T>C, p.Val367Ala (NM_001112808.3, NM_001199327.2); c.797T>C (NM_015978.2); short protein forms V266A, V367A.
Identifiers: ClinVar variation 1899593 (VCV001899593.6), dbSNP rs200687973, ClinGen allele CA909014.